The following is an entry in ClinVar:

ClinVar aggregate classification (germline): Uncertain significance. Review status: criteria provided, multiple submitters, no conflicts (2 of 4 stars). 2 submissions from 2 submitters: Uncertain significance (2). Last evaluated 2026-05-26.

Conditions:
Inborn genetic diseases. Identifiers: MedGen C0950123, MeSH D030342.

gnomAD v4.1: 32 of 1,613,252 alleles (0.002%); highest among the groups gnomAD compares: South Asian, 0.0044%; no homozygotes.

Submissions (2):

Ambry Genetics
Classification: Uncertain significance for Inborn genetic diseases. Last evaluated: 2026-05-26. Review status: criteria provided, single submitter. Criteria: Ambry Variant Classification Scheme 2023. Collection method: clinical testing. Allele origin: germline.
Comment: The c.2924A>G (p.N975S) alteration is located in exon 26 (coding exon 25) of the NALCN gene. This alteration results from a A to G substitution at nucleotide position 2924, causing the asparagine (N) at amino acid position 975 to be replaced by a serine (S). Based on data from gnomAD, the G allele has an overall frequency of 0.002% (6/281516) total alleles studied. The highest observed frequency was 0.014% (1/7182) of Other alleles. Based on insufficient or conflicting evidence, the clinical significance of this alteration remains unclear.

Women's Health and Genetics/Laboratory Corporation of America, LabCorp
Classification: Uncertain significance. Last evaluated: 2025-12-15. Review status: criteria provided, single submitter. Criteria: LabCorp Variant Classification Summary - May 2015. Collection method: clinical testing. Allele origin: germline.
Comment: Variant summary: NALCN c.2924A>G (p.Asn975Ser) results in a conservative amino acid change in the encoded protein sequence. Algorithms developed to predict the effect of missense changes on protein structure and function are either unavailable or do not agree on the potential impact of this missense change. The variant allele was found at a frequency of 2e-05 in 250112 control chromosomes. The available data on variant occurrences in the general population are insufficient to allow any conclusion about variant significance. To our knowledge, no occurrence of c.2924A>G in individuals affected with NALCN-related conditions and no experimental evidence demonstrating its impact on protein function have been reported. ClinVar contains an entry for this variant (Variation ID: 3629525). Based on the evidence outlined above, the variant was classified as uncertain significance.

NM_052867.4(NALCN):c.2924A>G (p.Asn975Ser)

Gene: NALCN (sodium leak channel, non-selective; minus strand). Cytogenetic location: 13q33.1.
Variant type: single nucleotide variant.
Coding change: c.2924A>G on transcript NM_052867.4 (MANE Select); coding-DNA position 2924, A replaced by G.
Protein change: p.Asn975Ser; replaces asparagine 975 with serine.
Molecular consequence: missense variant.
Genome position (GRCh38, 1-based): chr13:101,103,305, T>C on the plus strand (A>G on the coding strand, the complement: NALCN is on the minus strand). VCF-style: chr13-101103305-T-C. GRCh37 (hg19) VCF-style: chr13-101755656-T-C.
Other names: c.2924A>G (NM_052867.2); c.3011A>G, p.Asn1004Ser (NM_001350748.2); c.2924A>G, p.Asn975Ser (NM_001350749.2); c.2837A>G, p.Asn946Ser (NM_001350750.2, NM_001350751.2); short protein forms N1004S, N946S, N975S.
Identifiers: ClinVar variation 3629525 (VCV003629525.4).
Genomic context (GRCh38, chr13:101,103,305, plus strand): 5'-CGCAGAGGTCTCAGGCACCGAAGGACCATTAGAAGCTGAGCTCCCGATTCAGCAGGTACA[T>C]TTTGAGGCATCCAACAAAGAAATATCAAGCTCACCTAAAGGGGAACAAATGATCTCTGGA-3'
Protein context (NP_443099.1, residues 965-985): SLIFLCWMPQ[Asn975Ser]VPAESGAQLL